The following is an entry in ClinVar:

NM_000465.4(BARD1):c.2078A>G (p.Lys693Arg)

Gene: BARD1 (BRCA1 associated RING domain 1; minus strand). Cytogenetic location: 2q35.
Variant type: single nucleotide variant.
Coding change: c.2078A>G on transcript NM_000465.4 (MANE Select); coding-DNA position 2078, A replaced by G.
Protein change: p.Lys693Arg; replaces lysine 693 with arginine.
Molecular consequence: missense variant. On other transcripts: non-coding transcript variant (3).
Genome position (GRCh38, 1-based): chr2:214,728,932, T>C on the plus strand (A>G on the coding strand, the complement: BARD1 is on the minus strand). VCF-style: chr2-214728932-T-C. GRCh37 (hg19) VCF-style: chr2-215593656-T-C.
Other names: c.725A>G, p.Lys242Arg (NM_001282545.2); c.668A>G, p.Lys223Arg (NM_001282548.2); c.539A>G, p.Lys180Arg (NM_001282549.2); c.2021A>G, p.Lys674Arg (NM_001282543.2); short protein forms K693R, K180R, K223R, K674R, K242R.
Identifiers: ClinVar variation 628591 (VCV000628591.5), dbSNP rs1559372487, ClinGen allele CA350450661.
Genomic context (GRCh38, chr2:214,728,932, plus strand): 5'-ACGTCACTGTCTGGCTTGGGCTTTCTACTGAGGATCTGGCCCCCACCTGCAGTGACGAGC[T>C]TAATAAGGTTGTCCTTTGGATGGTGTTTGAAGGTTCCCCACAAATAGAAGTAGCATCCAT-3'
Protein context (NP_000456.2, residues 683-703): FKHHPKDNLI[Lys693Arg]LVTAGGGQIL

ClinVar aggregate classification (germline): Uncertain significance (1 of 4 stars; one submission).

Conditions:
Hereditary cancer-predisposing syndrome. Also called: Neoplastic Syndromes, Hereditary; Tumor predisposition; Hereditary neoplastic syndrome; Hereditary Cancer Syndrome. Identifiers: Orphanet 140162, MedGen C0027672, MeSH D009386, MONDO:0015356.

Submission:

Color Diagnostics, LLC DBA Color Health
Classification: Uncertain significance for Hereditary cancer-predisposing syndrome. Last evaluated: 2023-12-05. Review status: criteria provided, single submitter. Criteria: ACMG Guidelines, 2015. Collection method: clinical testing. Allele origin: germline.
Comment: This missense variant replaces lysine with arginine at codon 693 of the BARD1 protein. Computational prediction suggests that this variant may not impact protein structure and function (internally defined REVEL score threshold <= 0.5, PMID: 27666373). To our knowledge, functional studies have not been reported for this variant. This variant has not been reported in individuals affected with BARD1-related disorders in the literature. This variant has not been identified in the general population by the Genome Aggregation Database (gnomAD). The available evidence is insufficient to determine the role of this variant in disease conclusively. Therefore, this variant is classified as a Variant of Uncertain Significance.